The following is an entry in ClinVar:

NM_003000.3(SDHB):c.423C>T (p.Pro141=)

Gene: SDHB (succinate dehydrogenase complex iron sulfur subunit B; minus strand). Cytogenetic location: 1p36.13.
Variant type: single nucleotide variant.
Coding change: c.423C>T on transcript NM_003000.3 (MANE Select); coding-DNA position 423, C replaced by T.
Protein change: p.Pro141=; no amino-acid change (proline 141 retained).
Molecular consequence: synonymous variant.
Genome position (GRCh38, 1-based): chr1:17,028,600, G>A on the plus strand (C>T on the coding strand, the complement: SDHB is on the minus strand). VCF-style: chr1-17028600-G-A. GRCh37 (hg19) VCF-style: chr1-17355095-G-A.
Identifiers: ClinVar variation 186513 (VCV000186513.44), dbSNP rs150542357, ClinGen allele CA015879.

ClinVar aggregate classification (germline): Likely benign. Review status: criteria provided, multiple submitters, no conflicts (2 of 4 stars). 6 submissions from 6 submitters: Likely benign (6). Last evaluated 2026-01-19.

Conditions:
Gastrointestinal stromal tumor. Also called: Gastrointestinal stroma tumor; Gastrointestinal stromal tumor, somatic. Identifiers: Orphanet 44890, MedGen C0238198, MeSH D046152, MONDO:0011719, OMIM 606764, HP:0100723.
Pheochromocytoma. Also called: MAX-Related Hereditary Paraganglioma-Pheochromocytoma Syndrome. Identifiers: Orphanet 29072, MedGen C0031511, MONDO:0008233, OMIM 171300, HP:0002666.
Pheochromocytoma/paraganglioma syndrome 4. Also called: SDHB-Related Hereditary Paraganglioma-Pheochromocytoma Syndrome (Paragangliomas 4); CAROTID BODY TUMORS AND MULTIPLE EXTRAADRENAL PHEOCHROMOCYTOMAS; SDHB-Related Hereditary Paraganglioma-Pheochromocytoma Syndrome; PARAGANGLIOMA, FAMILIAL MALIGNANT; PARAGANGLIOMAS, HEREDITARY EXTRAADRENAL; PHEOCHROMOCYTOMA, FAMILIAL EXTRAADRENAL. Identifiers: Orphanet 29072, MedGen C1861848, MONDO:0007273, OMIM 115310.
Hereditary cancer-predisposing syndrome. Also called: Tumor predisposition; Neoplastic Syndromes, Hereditary; Hereditary Cancer Syndrome; Hereditary neoplastic syndrome. Identifiers: Orphanet 140162, MedGen C0027672, MeSH D009386, MONDO:0015356.
Hereditary pheochromocytoma and paraganglioma. Also called: Hereditary paragangliomas and pheochromocytomas; Hereditary Paraganglioma-Pheochromocytoma Syndromes; Hereditary pheochromocytoma-paraganglioma. Identifiers: Orphanet 29072, MedGen C4274332, MONDO:0017366.

Allele frequency attached by ClinVar (database versions not stated): gnomAD exomes 0.00002; ExAC 0.00003; TOPMed 0.00006; gnomAD 0.00008 and 0.00009; ESP Exome Variant Server 0.00023.
gnomAD v4.1: 45 of 1,613,948 alleles (0.0028%); highest among the groups gnomAD compares: African/African-American, 0.015%; no homozygotes.

Submissions (6):

Labcorp Genetics (formerly Invitae), Labcorp
Classification: Likely benign for Gastrointestinal stromal tumor; Pheochromocytoma/paraganglioma syndrome 4; Pheochromocytoma. Last evaluated: 2026-01-19. Review status: criteria provided, single submitter. Criteria: Invitae Variant Classification Sherloc (09022015). Collection method: clinical testing. Allele origin: germline.

CeGaT Center for Human Genetics Tuebingen
Classification: Likely benign. Last evaluated: 2025-06-01. Review status: criteria provided, single submitter. Criteria: CeGaT Center For Human Genetics Tuebingen Variant Classification Criteria Version 2. Collection method: clinical testing. Allele origin: germline. Affected: yes. Observed: 2 variant alleles.
Comment: SDHB: BP4, BP7

Color Diagnostics, LLC DBA Color Health
Classification: Likely benign for Hereditary pheochromocytoma and paraganglioma. Last evaluated: 2022-10-03. Review status: criteria provided, single submitter. Criteria: ACMG Guidelines, 2015. Collection method: clinical testing. Allele origin: germline.

Blueprint Genetics
Classification: Likely benign. Last evaluated: 2022-06-17. Review status: criteria provided, single submitter. Criteria: ACMG Guidelines, 2015. Collection method: clinical testing. Allele origin: germline.

GeneDx
Classification: Likely benign. Last evaluated: 2020-11-24. Review status: criteria provided, single submitter. Criteria: GeneDx Variant Classification Process June 2021. Collection method: clinical testing. Allele origin: germline. Affected: yes.

Ambry Genetics
Classification: Likely benign for Hereditary cancer-predisposing syndrome. Last evaluated: 2017-09-25. Review status: criteria provided, single submitter. Criteria: Ambry Variant Classification Scheme 2023. Collection method: clinical testing. Allele origin: germline.